The following is an entry in ClinVar:

NM_001369268.1(ACAN):c.1574A>C (p.Asp525Ala)

Gene: ACAN (aggrecan; plus strand). Cytogenetic location: 15q26.1.
Variant type: single nucleotide variant.
Coding change: c.1574A>C on transcript NM_001369268.1 (MANE Select); coding-DNA position 1574, A replaced by C.
Protein change: p.Asp525Ala; replaces aspartic acid 525 with alanine.
Molecular consequence: missense variant.
Genome position (GRCh38, 1-based): chr15:88,847,387, A>C. VCF-style: chr15-88847387-A-C. GRCh37 (hg19) VCF-style: chr15-89390618-A-C.
Other names: c.1574A>C, p.Asp525Ala (NM_001135.4, NM_001411096.1, NM_001411097.1 and 1 more transcripts); short protein forms D525A.
Identifiers: ClinVar variation 2105392 (VCV002105392.4), dbSNP rs2505272096, ClinGen allele CA393710791.

ClinVar aggregate classification (germline): Uncertain significance (1 of 4 stars; one submission).

Submission:

Labcorp Genetics (formerly Invitae), Labcorp
Classification: Uncertain significance. Last evaluated: 2022-03-01. Review status: criteria provided, single submitter. Criteria: Invitae Variant Classification Sherloc (09022015). Collection method: clinical testing. Allele origin: germline.
Comment: In summary, the available evidence is currently insufficient to determine the role of this variant in disease. Therefore, it has been classified as a Variant of Uncertain Significance. This sequence change replaces aspartic acid, which is acidic and polar, with alanine, which is neutral and non-polar, at codon 525 of the ACAN protein (p.Asp525Ala). This variant is not present in population databases (gnomAD no frequency). This variant has not been reported in the literature in individuals affected with ACAN-related conditions. Algorithms developed to predict the effect of missense changes on protein structure and function are either unavailable or do not agree on the potential impact of this missense change (SIFT: "Deleterious"; PolyPhen-2: "Not Available"; Align-GVGD: "Class C65").